The following is an entry in ClinVar:

NM_007294.4(BRCA1):c.5432del (p.Gln1811fs)

Gene: BRCA1 (BRCA1 DNA repair associated; minus strand). Cytogenetic location: 17q21.31.
Variant type: Deletion.
Coding change: c.5432del on transcript NM_007294.4 (MANE Select); coding-DNA position 5432, one base deleted (A; older notation c.5432delA).
Protein change: p.Gln1811fs; shifts the reading frame from glutamine 1811.
Molecular consequence: frameshift variant. On other transcripts: non-coding transcript variant (1).
Genome position (GRCh38, 1-based): chr17:43,047,678, T deleted on the plus strand (A on the coding strand, the reverse complement: BRCA1 is on the minus strand). VCF-style (leftmost placement, unchanged base first): chr17-43047677-CT-C. GRCh37 (hg19) VCF-style: chr17-41199694-CT-C.
Other names: c.5291delA, p.Gln1764Argfs (NM_001407692.1, NM_001407694.1, NM_001407695.1 and 11 more transcripts); c.5288delA, p.Gln1763Argfs (NM_001407732.1, NM_001407733.1, NM_001407734.1 and 18 more transcripts); c.5285delA, p.Gln1762Argfs (NM_001407838.1, NM_001407839.1, NM_001407841.1 and 12 more transcripts); c.5219delA, p.Gln1740Argfs (NM_001407571.1, NM_001407894.1, NM_001407895.1 and 12 more transcripts); c.5498delA, p.Gln1833Argfs (NM_001407581.1, NM_001407582.1); c.5495delA, p.Gln1832Argfs (NM_001407583.1, NM_001407585.1, NM_001407587.1); c.5492delA, p.Gln1831Argfs (NM_001407590.1, NM_001407591.1); c.5432delA, p.Gln1811Argfs (NM_001407593.1, NM_001407594.1, NM_001407596.1 and 5 more transcripts); and 87 more; short protein forms Q707fs, A683fs, Q1764fs, Q1811fs, Q1832fs.
Identifiers: ClinVar variation 1455990 (VCV001455990.11), dbSNP rs2152796748, ClinGen allele CA2573154025.

ClinVar aggregate classification (germline): Pathogenic/Likely pathogenic. Review status: criteria provided, multiple submitters, no conflicts (2 of 4 stars). 3 submissions from 3 submitters: Pathogenic (2); Likely pathogenic (1). Last evaluated 2024-10-21.

Conditions:
Hereditary cancer-predisposing syndrome. Also called: Tumor predisposition; Neoplastic Syndromes, Hereditary; Hereditary Cancer Syndrome; Hereditary neoplastic syndrome. Identifiers: Orphanet 140162, MedGen C0027672, MeSH D009386, MONDO:0015356.
Hereditary breast ovarian cancer syndrome. Also called: Hereditary breast and ovarian cancer; Hereditary breast and ovarian cancer syndrome (HBOC); Breast and ovarian cancer; Hereditary breast and ovarian cancer syndrome; Hereditary breast and/or ovarian cancer syndrome; BRCA1- and BRCA2-Associated Hereditary Breast and Ovarian Cancer. Identifiers: Orphanet 145, MedGen C0677776, MeSH D061325, MONDO:0003582. Disease mechanism: loss of function.

Submissions (3):

Women's Health and Genetics/Laboratory Corporation of America, LabCorp
Classification: Pathogenic for Hereditary breast ovarian cancer syndrome. Last evaluated: 2024-10-21. Review status: criteria provided, single submitter. Criteria: LabCorp Variant Classification Summary - May 2015. Collection method: clinical testing. Allele origin: germline.
Comment: Variant summary: BRCA1 c.5432delA (p.Gln1811ArgfsX23) results in a premature termination codon, predicted to cause a truncation of the encoded protein or absence of the protein due to nonsense mediated decay, which are commonly known mechanisms for disease. The variant was absent in 251488 control chromosomes (gnomAD). To our knowledge, no occurrence of c.5432delA in individuals affected with Hereditary Breast And Ovarian Cancer Syndrome and no experimental evidence demonstrating its impact on protein function have been reported. Other downstream pathogenic variants have been classified in our lab. ClinVar contains an entry for this variant (Variation ID: 1455990). Based on the evidence outlined above, the variant was classified as pathogenic.

Labcorp Genetics (formerly Invitae), Labcorp
Classification: Pathogenic for Hereditary breast ovarian cancer syndrome. Last evaluated: 2024-08-15. Review status: criteria provided, single submitter. Criteria: Invitae Variant Classification Sherloc (09022015). Collection method: clinical testing. Allele origin: germline.
Comment: This sequence change creates a premature translational stop signal (p.Gln1811Argfs*23) in the BRCA1 gene. While this is not anticipated to result in nonsense mediated decay, it is expected to disrupt the last 53 amino acid(s) of the BRCA1 protein. This variant is not present in population databases (gnomAD no frequency). This variant has not been reported in the literature in individuals affected with BRCA1-related conditions. ClinVar contains an entry for this variant (Variation ID: 1455990). This variant disrupts a region of the BRCA1 protein in which other variant(s) (p.Tyr1853*) have been determined to be pathogenic (PMID: 7894493, 10811118, 11739404, 12400015, 21922593; Invitae). This suggests that this is a clinically significant region of the protein, and that variants that disrupt it are likely to be disease-causing. For these reasons, this variant has been classified as Pathogenic.

Ambry Genetics
Classification: Likely pathogenic for Hereditary cancer-predisposing syndrome. Last evaluated: 2024-05-01. Review status: criteria provided, single submitter. Criteria: Ambry Variant Classification Scheme 2023. Collection method: clinical testing. Allele origin: germline.
Comment: The c.5432delA variant, located in coding exon 21 of the BRCA1 gene, results from a deletion of one nucleotide at nucleotide position 5432, causing a translational frameshift with a predicted alternate stop codon (p.Q1811Rfs*23). This alteration occurs at the 3' terminus of theBRCA1 gene, is not expected to trigger nonsense-mediated mRNA decay, and only impacts the last 53 amino acids of the protein. However, premature stop codons are typically deleterious in nature and the impacted region is critical for protein function (Ambry internal data). This variant was identified amongst a cohort of 7400 Czech families undergoing BRCA1/2 genetic testing based on personal and/or family history of breast and/or ovarian cancer (Machackova E et al. Klin Onkol, 2019;32:51-71). This variant is considered to be rare based on population cohorts in the Genome Aggregation Database (gnomAD). Based on the majority of available evidence to date, this variant is likely to be pathogenic.

Literature cited by the submitters: PubMed 7894493 (cited by Labcorp Genetics (formerly Invitae), Labcorp); PubMed 10811118 (cited by Labcorp Genetics (formerly Invitae), Labcorp); PubMed 11739404 (cited by Labcorp Genetics (formerly Invitae), Labcorp); PubMed 12400015 (cited by Labcorp Genetics (formerly Invitae), Labcorp); PubMed 21922593 (cited by Labcorp Genetics (formerly Invitae), Labcorp); PubMed 31409081 (cited by Ambry Genetics).